The following is an entry in ClinVar:

NM_017662.5(TRPM6):c.711G>A (p.Lys237=)

Gene: TRPM6 (transient receptor potential cation channel subfamily M member 6; minus strand). Cytogenetic location: 9q21.13.
Variant type: single nucleotide variant.
Coding change: c.711G>A on transcript NM_017662.5 (MANE Select); coding-DNA position 711, G replaced by A.
Protein change: p.Lys237=; no amino-acid change (lysine 237 retained).
Molecular consequence: synonymous variant.
Genome position (GRCh38, 1-based): chr9:74,827,908, C>T on the plus strand (G>A on the coding strand, the complement: TRPM6 is on the minus strand). VCF-style: chr9-74827908-C-T. GRCh37 (hg19) VCF-style: chr9-77442824-C-T.
Other names: c.696G>A, p.Lys232= (NM_001177310.2, NM_001177311.2).
Identifiers: ClinVar variation 4985920 (VCV004985920.1).

ClinVar aggregate classification (germline): Likely benign (1 of 4 stars; one submission).

Conditions:
TRPM6-related disorder. Also called: TRPM6-related condition.

gnomAD v4.1: 13 of 1,614,026 alleles (0.00081%); highest among the groups gnomAD compares: Admixed American, 0.0017%; no homozygotes.

Submission:

PreventionGenetics, part of Exact Sciences
Classification: Likely benign for TRPM6-related condition. Last evaluated: 2024-10-25. Review status: criteria provided, single submitter. Criteria: ACMG Guidelines, 2015. Collection method: clinical testing. Allele origin: germline.
Comment: This variant is classified as likely benign based on ACMG/AMP sequence variant interpretation guidelines (Richards et al. 2015 PMID: 25741868, with internal and published modifications).